The following is an entry in ClinVar:

NM_001130004.2(ACTN1):c.2213G>T (p.Arg738Leu)

Gene: ACTN1 (actinin alpha 1; minus strand). Cytogenetic location: 14q24.1.
Variant type: single nucleotide variant.
Coding change: c.2213G>T on transcript NM_001130004.2 (MANE Select); coding-DNA position 2213, G replaced by T.
Protein change: p.Arg738Leu; replaces arginine 738 with leucine.
Molecular consequence: missense variant.
Genome position (GRCh38, 1-based): chr14:68,880,029, C>A on the plus strand (G>T on the coding strand, the complement: ACTN1 is on the minus strand). VCF-style: chr14-68880029-C-A. GRCh37 (hg19) VCF-style: chr14-69346746-C-A.
Other names: c.2213G>T, p.Arg738Leu (NM_001102.4, NM_001130005.2, NM_001424012.1 and 2 more transcripts); c.2237G>T, p.Arg746Leu (NM_001411035.1, NM_001424016.1); c.2018G>T, p.Arg673Leu (NM_001411036.1, NM_001424026.1, NM_001424028.1); c.2339G>T, p.Arg780Leu (NM_001424013.1); c.2300G>T, p.Arg767Leu (NM_001424015.1); c.2210G>T, p.Arg737Leu (NM_001424017.1); c.2174G>T, p.Arg725Leu (NM_001424018.1); c.2030G>T, p.Arg677Leu (NM_001424019.1, NM_001424024.1, NM_001424025.1 and 2 more transcripts); and 3 more; short protein forms R715L, R767L, R780L, R463L, R677L, R717L, R738L, R673L.
Identifiers: ClinVar variation 4724182 (VCV004724182.1).

ClinVar aggregate classification (germline): Uncertain significance (1 of 4 stars; one submission).

Submission:

Labcorp Genetics (formerly Invitae), Labcorp
Classification: Uncertain significance. Last evaluated: 2025-07-27. Review status: criteria provided, single submitter. Criteria: Invitae Variant Classification Sherloc (09022015). Collection method: clinical testing. Allele origin: germline.
Comment: This sequence change replaces arginine, which is basic and polar, with leucine, which is neutral and non-polar, at codon 738 of the ACTN1 protein (p.Arg738Leu). This variant is not present in population databases (gnomAD no frequency). This variant has not been reported in the literature in individuals affected with ACTN1-related conditions. An algorithm developed to predict the effect of missense changes on protein structure and function (PolyPhen-2) suggests that this variant is likely to be disruptive. In summary, the available evidence is currently insufficient to determine the role of this variant in disease. Therefore, it has been classified as a Variant of Uncertain Significance.